The following is an entry in ClinVar:

NM_020207.7(ERCC6L2):c.466G>A (p.Val156Ile)

Gene: ERCC6L2 (ERCC excision repair 6 like 2; plus strand). Cytogenetic location: 9q22.32.
Variant type: single nucleotide variant.
Coding change: c.466G>A on transcript NM_020207.7 (MANE Select); coding-DNA position 466, G replaced by A.
Protein change: p.Val156Ile; replaces valine 156 with isoleucine.
Molecular consequence: missense variant. On other transcripts: non-coding transcript variant (1).
Genome position (GRCh38, 1-based): chr9:95,881,288, G>A. VCF-style: chr9-95881288-G-A. GRCh37 (hg19) VCF-style: chr9-98643570-G-A.
Other names: c.466G>A, p.Val156Ile (NM_001010895.4, NM_001375291.1, NM_001375292.1 and 2 more transcripts); short protein forms V156I.
Identifiers: ClinVar variation 4250577 (VCV004250577.1).

ClinVar aggregate classification (germline): Uncertain significance (1 of 4 stars; one submission).

Conditions:
Inborn genetic diseases. Identifiers: MedGen C0950123, MeSH D030342.

Submission:

Ambry Genetics
Classification: Uncertain significance for Inborn genetic diseases. Last evaluated: 2025-07-12. Review status: criteria provided, single submitter. Criteria: Ambry Variant Classification Scheme 2023. Collection method: clinical testing. Allele origin: germline.
Comment: The p.V156I variant (also known as c.466G>A), located in coding exon 2 of the ERCC6L2 gene, results from a G to A substitution at nucleotide position 466. The valine at codon 156 is replaced by isoleucine, an amino acid with highly similar properties. This amino acid position is conserved. In addition, this alteration is predicted to be tolerated by in silico analysis. Based on the available evidence, the clinical significance of this variant remains unclear.